The following is an entry in ClinVar:

NM_002860.4(ALDH18A1):c.1369C>T (p.Arg457Cys)

Gene: ALDH18A1 (aldehyde dehydrogenase 18 family member A1; minus strand). Cytogenetic location: 10q24.1.
Variant type: single nucleotide variant.
Coding change: c.1369C>T on transcript NM_002860.4 (MANE Select); coding-DNA position 1369, C replaced by T.
Protein change: p.Arg457Cys; replaces arginine 457 with cysteine.
Molecular consequence: missense variant.
Genome position (GRCh38, 1-based): chr10:95,621,129, G>A on the plus strand (C>T on the coding strand, the complement: ALDH18A1 is on the minus strand). VCF-style: chr10-95621129-G-A. GRCh37 (hg19) VCF-style: chr10-97380886-G-A.
Other names: c.1369C>T (NM_002860.3); c.1363C>T, p.Arg455Cys (NM_001017423.2, NM_001323415.2); c.1036C>T, p.Arg346Cys (NM_001323412.2, NM_001323416.2); c.1369C>T, p.Arg457Cys (NM_001323413.2, NM_001323414.2); c.1264C>T, p.Arg422Cys (NM_001323417.2); c.1030C>T, p.Arg344Cys (NM_001323418.2); c.733C>T, p.Arg245Cys (NM_001323419.2); short protein forms R344C, R346C, R455C, R457C, R422C, R245C.
Identifiers: ClinVar variation 2067095 (VCV002067095.5), dbSNP rs1238983464, ClinGen allele CA377701422.

ClinVar aggregate classification (germline): Conflicting classifications of pathogenicity. Review status: criteria provided, conflicting classifications (1 of 4 stars). 2 submissions from 2 submitters: Likely pathogenic (1); Uncertain significance (1). Last evaluated 2025-10-22.

Conditions:
Cutis laxa, autosomal dominant 3 (ADCL3). Identifiers: Orphanet 90348, MedGen C4225268, MONDO:0014706, OMIM 616603.
de Barsy syndrome. Also called: Cutis laxa-corneal clouding-oligophrenia syndrome. Identifiers: Orphanet 2962, MedGen C0268354, MONDO:0017569.
Autosomal dominant spastic paraplegia type 9. Identifiers: MedGen C1832669, MONDO:0015091.
Hereditary spastic paraplegia 9A. Also called: SPASTIC PARAPLEGIA 9A, AUTOSOMAL DOMINANT; CATARACTS WITH MOTOR NEURONOPATHY, SHORT STATURE, AND SKELETAL ABNORMALITIES; SPASTIC PARAPARESIS WITH AMYOTROPHY, CATARACTS, AND GASTROESOPHAGEAL REFLUX. Identifiers: Orphanet 100990, Orphanet 447753, MedGen C5568978, MONDO:0011006, OMIM 601162.

Allele frequency attached by ClinVar (database versions not stated): TOPMed 0.00001.
gnomAD v4.1: 8 of 1,613,968 alleles (0.0005%); highest among the groups gnomAD compares: South Asian, 0.0033%; no homozygotes.

Submissions (2):

Labcorp Genetics (formerly Invitae), Labcorp
Classification: Uncertain significance for Autosomal dominant spastic paraplegia type 9; de Barsy syndrome; Cutis laxa, autosomal dominant 3. Last evaluated: 2025-10-22. Review status: criteria provided, single submitter. Criteria: Invitae Variant Classification Sherloc (09022015). Collection method: clinical testing. Allele origin: germline.
Comment: This sequence change replaces arginine, which is basic and polar, with cysteine, which is neutral and slightly polar, at codon 457 of the ALDH18A1 protein (p.Arg457Cys). This variant is present in population databases (no rsID available, gnomAD 0.003%). This variant has not been reported in the literature in individuals affected with ALDH18A1-related conditions. ClinVar contains an entry for this variant (Variation ID: 2067095). Invitae Evidence Modeling of protein sequence and biophysical properties (such as structural, functional, and spatial information, amino acid conservation, physicochemical variation, residue mobility, and thermodynamic stability) has been performed for this missense variant. However, the output from this modeling did not meet the statistical confidence thresholds required to predict the impact of this variant on ALDH18A1 protein function. In summary, the available evidence is currently insufficient to determine the role of this variant in disease. Therefore, it has been classified as a Variant of Uncertain Significance.

Clinical Genetics Service, Universitary Hospital 12 de Octubre
Classification: Likely pathogenic for Hereditary spastic paraplegia 9A. Review status: criteria provided, single submitter. Criteria: ACMG Guidelines, 2015. Collection method: clinical testing. Allele origin: germline. Affected: yes.